The following is an entry in ClinVar:

NM_201384.3(PLEC):c.3863C>T (p.Thr1288Met)

Gene: PLEC (plectin; minus strand). Cytogenetic location: 8q24.3.
Variant type: single nucleotide variant.
Coding change: c.3863C>T on transcript NM_201384.3 (MANE Select); coding-DNA position 3863, C replaced by T.
Protein change: p.Thr1288Met; replaces threonine 1288 with methionine.
Molecular consequence: missense variant.
Genome position (GRCh38, 1-based): chr8:143,927,059, G>A on the plus strand (C>T on the coding strand, the complement: PLEC is on the minus strand). VCF-style: chr8-143927059-G-A. GRCh37 (hg19) VCF-style: chr8-145001227-G-A.
Other names: p.Thr1315Met; c.3944C>T, p.Thr1315Met (NM_000445.5); c.3821C>T, p.Thr1274Met (NM_201378.4); c.3797C>T, p.Thr1266Met (NM_201379.3); c.4274C>T, p.Thr1425Met (NM_201380.4); c.3767C>T, p.Thr1256Met (NM_201381.3); c.3863C>T, p.Thr1288Met (NM_201382.4); c.3875C>T, p.Thr1292Met (NM_201383.3); short protein forms T1256M, T1288M, T1315M, T1266M, T1274M, T1292M, T1425M.
Identifiers: ClinVar variation 568553 (VCV000568553.13), dbSNP rs372055596, ClinGen allele CA4926872.

ClinVar aggregate classification (germline): Uncertain significance. Review status: criteria provided, multiple submitters, no conflicts (2 of 4 stars). 5 submissions from 5 submitters: Uncertain significance (5). Last evaluated 2026-01-26.

Conditions:
PLEC-related disorder. Also called: PLEC-related disorders; PLEC-related condition.
Epidermolysis bullosa simplex 5C, with pyloric atresia (EBS5C). Also called: PLEC-Related Epidermolysis Bullosa with Pyloric Atresia; PLEC1-Related Epidermolysis Bullosa with Pyloric Atresia; Epidermolysis bullosa simplex with pyloric atresia. Identifiers: Orphanet 158684, MedGen C2677349, MONDO:0012807, OMIM 612138.
Epidermolysis bullosa simplex, Ogna type (EBS5A). Also called: Pidermolysis bullosa simplex 5A, Ogna type; EPIDERMOLYSIS BULLOSA SIMPLEX 5A, OGNA TYPE. Identifiers: Orphanet 79401, MedGen C0432317, MONDO:0007555, OMIM 131950.
Epidermolysis bullosa simplex 5B, with muscular dystrophy (EBS5B). Also called: Epidermolysis bullosa simplex with muscular dystrophy; EPIDERMOLYSIS BULLOSA SIMPLEX AND LIMB-GIRDLE MUSCULAR DYSTROPHY. Identifiers: Orphanet 257, MedGen C2931072, MONDO:0009181, OMIM 226670.
Epidermolysis bullosa simplex with nail dystrophy (EBS5D). Identifiers: MedGen C4225309, MONDO:0014661, OMIM 616487.
Autosomal recessive limb-girdle muscular dystrophy type 2Q (LGMDR17). Also called: MUSCULAR DYSTROPHY, LIMB-GIRDLE, AUTOSOMAL RECESSIVE 17. Identifiers: Orphanet 254361, MedGen C3150989, MONDO:0013390, OMIM 613723.

Allele frequency attached by ClinVar (database versions not stated): ExAC 0.00008; ESP Exome Variant Server 0.00008; gnomAD 0.00009; TOPMed 0.00009; gnomAD exomes 0.00011 and 0.00014.
gnomAD v4.1: 217 of 1,611,340 alleles (0.013%); highest among the groups gnomAD compares: Non-Finnish European, 0.016%; no homozygotes.

Submissions (5):

PreventionGenetics, part of Exact Sciences
Classification: Uncertain significance for PLEC-related condition. Last evaluated: 2026-01-26. Review status: criteria provided, single submitter. Criteria: ACMG Guidelines, 2015. Collection method: clinical testing. Allele origin: germline.
Comment: The PLEC c.3944C>T variant is predicted to result in the amino acid substitution p.Thr1315Met. To our knowledge, this variant has not been reported in the literature. This variant is reported in 0.018% of alleles in individuals of European (Non-Finnish) descent in gnomAD. At this time, the clinical significance of this variant is uncertain due to the absence of conclusive functional and genetic evidence.

Labcorp Genetics (formerly Invitae), Labcorp
Classification: Uncertain significance for Autosomal recessive limb-girdle muscular dystrophy type 2Q; Epidermolysis bullosa simplex, Ogna type; Epidermolysis bullosa simplex with nail dystrophy; Epidermolysis bullosa simplex 5C, with pyloric atresia; Epidermolysis bullosa simplex 5B, with muscular dystrophy. Last evaluated: 2026-01-17. Review status: criteria provided, single submitter. Criteria: Invitae Variant Classification Sherloc (09022015). Collection method: clinical testing. Allele origin: germline.
Comment: This sequence change replaces threonine, which is neutral and polar, with methionine, which is neutral and non-polar, at codon 1315 of the PLEC protein (p.Thr1315Met). This variant is present in population databases (rs372055596, gnomAD 0.02%). This variant has not been reported in the literature in individuals affected with PLEC-related conditions. ClinVar contains an entry for this variant (Variation ID: 568553). Invitae Evidence Modeling of protein sequence and biophysical properties (such as structural, functional, and spatial information, amino acid conservation, physicochemical variation, residue mobility, and thermodynamic stability) has been performed for this missense variant. However, the output from this modeling did not meet the statistical confidence thresholds required to predict the impact of this variant on PLEC protein function. In summary, the available evidence is currently insufficient to determine the role of this variant in disease. Therefore, it has been classified as a Variant of Uncertain Significance.

Mayo Clinic Laboratories, Mayo Clinic
Classification: Uncertain significance. Last evaluated: 2025-10-09. Review status: criteria provided, single submitter. Criteria: ACMG Guidelines, 2015. Collection method: clinical testing. Allele origin: germline. Observed: 1 variant allele.
Comment: BP4_moderate, PM2_supporting

Revvity Omics, Revvity
Classification: Uncertain significance. Last evaluated: 2024-06-03. Review status: criteria provided, single submitter. Criteria: ACMG Guidelines, 2015. Collection method: clinical testing. Allele origin: germline.

Athena Diagnostics
Classification: Uncertain significance. Last evaluated: 2020-08-19. Review status: criteria provided, single submitter. Criteria: Athena Diagnostics Criteria. Collection method: clinical testing. Allele origin: unknown.